The following is an entry in ClinVar:

ClinVar aggregate classification (germline): Uncertain significance (1 of 4 stars; one submission).

Conditions:
RYR1-related disorder. Also called: RYR1-related condition; RYR1-related disorders. Identifiers: MedGen CN239331.

gnomAD v4.1: 4 of 1,410,092 alleles (0.00028%); highest among the groups gnomAD compares: Non-Finnish European, 0.00037%; no homozygotes.

Submission:

Labcorp Genetics (formerly Invitae), Labcorp
Classification: Uncertain significance for RYR1-related disorder. Last evaluated: 2025-06-27. Review status: criteria provided, single submitter. Criteria: Invitae Variant Classification Sherloc (09022015). Collection method: clinical testing. Allele origin: germline.
Comment: This sequence change replaces glycine, which is neutral and non-polar, with serine, which is neutral and polar, at codon 4453 of the RYR1 protein (p.Gly4453Ser). This variant is not present in population databases (gnomAD no frequency). This variant has not been reported in the literature in individuals affected with RYR1-related conditions. Invitae Evidence Modeling of protein sequence and biophysical properties (such as structural, functional, and spatial information, amino acid conservation, physicochemical variation, residue mobility, and thermodynamic stability) indicates that this missense variant is not expected to disrupt RYR1 protein function with a negative predictive value of 80%. In summary, the available evidence is currently insufficient to determine the role of this variant in disease. Therefore, it has been classified as a Variant of Uncertain Significance.

NM_000540.3(RYR1):c.13357G>A (p.Gly4453Ser)

Gene: RYR1 (ryanodine receptor 1; plus strand). Cytogenetic location: 19q13.2.
Variant type: single nucleotide variant.
Coding change: c.13357G>A on transcript NM_000540.3 (MANE Select); coding-DNA position 13357, G replaced by A.
Protein change: p.Gly4453Ser; replaces glycine 4453 with serine.
Molecular consequence: missense variant.
Genome position (GRCh38, 1-based): chr19:38,565,691, G>A. VCF-style: chr19-38565691-G-A. GRCh37 (hg19) VCF-style: chr19-39056331-G-A.
Other names: c.13342G>A, p.Gly4448Ser (NM_001042723.2); short protein forms G4453S, G4448S.
Identifiers: ClinVar variation 4744861 (VCV004744861.1).
Genomic context (GRCh38, chr19:38,565,691, plus strand): 5'-GGTGCCGACGGGGCGGTGGCCGTGACCGATGGGGGCCCCTTCCGGCCCGAAGGGGCTGGC[G>A]GTCTCGGGGACATGGGGGACACGACGCCTGCGGAACCGCCCACACCCGAGGGCTCTCCCA-3'
Protein context (NP_000531.2, residues 4443-4463): GGPFRPEGAG[Gly4453Ser]LGDMGDTTPA